The following is an entry in ClinVar:

NM_001127511.3(APC):c.-16G>A

Gene: APC (APC regulator of Wnt signaling pathway; plus strand). Cytogenetic location: 5q22.2.
Variant type: single nucleotide variant.
Coding change: c.-16G>A on transcript NM_001127511.3; 16 bases upstream of the start codon, G replaced by A.
Molecular consequence: 5 prime UTR variant. On other transcripts: non-coding transcript variant (1), intron variant (5).
Genome position (GRCh38, 1-based): chr5:112,707,702, G>A. VCF-style: chr5-112707702-G-A. GRCh37 (hg19) VCF-style: chr5-112043399-G-A.
Other names: c.-199G>A (NM_001354895.2, NM_001407447.1, NM_001407452.1 and 3 more transcripts); c.-16G>A (NM_001354897.2, NM_001354902.2, NM_001407446.1); c.-1234G>A (NM_001407470.1, NM_001407472.1); c.-19+53G>A (NM_001407448.1, NM_001407450.1, NM_001407457.1 and 1 more transcripts); c.-43+53G>A (NM_001407453.1).
Identifiers: ClinVar variation 3651413 (VCV003651413.2).
Genomic context (GRCh38, chr5:112,707,702, plus strand): 5'-GTTCCCAGGTACTGTTGTTGGCTGTTGGTGAGGAAGGTGAAGCACTCAGTTGCCTTCTCG[G>A]GCCTCGGCGCCCCCTATGTACGCCTCCCTGGGCTCGGGTCCGGTCGCCCCTTTGCCCGCT-3'

ClinVar aggregate classification (germline): Uncertain significance (1 of 4 stars; one submission).

Conditions:
Familial adenomatous polyposis 1 (FAP1). Also called: FAMILIAL ADENOMATOUS POLYPOSIS 1, ATTENUATED; POLYPOSIS, ADENOMATOUS INTESTINAL. Identifiers: MedGen C2713442, MONDO:0021056, OMIM 175100. Disease mechanism: loss of function.

Submission:

Labcorp Genetics (formerly Invitae), Labcorp
Classification: Uncertain significance for Familial adenomatous polyposis 1. Last evaluated: 2024-04-28. Review status: criteria provided, single submitter. Criteria: Invitae Variant Classification Sherloc (09022015). Collection method: clinical testing. Allele origin: germline.
Comment: This variant occurs in a non-coding region of the APC gene. It does not change the encoded amino acid sequence of the APC protein. This variant is not present in population databases (gnomAD no frequency). This variant has not been reported in the literature in individuals affected with APC-related conditions. Experimental studies and prediction algorithms are not available or were not evaluated, and the functional significance of this variant is currently unknown. In summary, the available evidence is currently insufficient to determine the role of this variant in disease. Therefore, it has been classified as a Variant of Uncertain Significance.